The following is an entry in ClinVar:

ClinVar aggregate classification (germline): Uncertain significance (1 of 4 stars; one submission).

Conditions:
Hereditary cancer-predisposing syndrome. Also called: Tumor predisposition; Hereditary Cancer Syndrome; Neoplastic Syndromes, Hereditary; Hereditary neoplastic syndrome. Identifiers: Orphanet 140162, MedGen C0027672, MeSH D009386, MONDO:0015356.

Submissions (2):

Ambry Genetics
Classification: Uncertain significance for Hereditary cancer-predisposing syndrome. Last evaluated: 2015-07-09. Review status: criteria provided, single submitter. Criteria: Ambry Variant Classification Scheme 2023. Collection method: clinical testing. Allele origin: germline.
Comment: The p.Q1785P variant (also known as c.5354A>C), located in coding exon 20 of the BRCA1 gene, results from an A to C substitution at nucleotide position 5354. The glutamine at codon 1785 is replaced by proline, an amino acid with similar properties. One functional study found that this nucleotide substitution is non-functional in a high-throughput, genome editing, haploid cell survival assay (Findlay GM et al. Nature, 2018 10;562:217-222). This amino acid position is not well conserved in available vertebrate species. In addition, the in silico prediction for this alteration is inconclusive. Since supporting evidence is limited at this time, the clinical significance of this alteration remains unclear.

Brotman Baty Institute, University of Washington
No classification provided (evidence only). Condition: Breast-ovarian cancer, familial 1. Review status: no classification provided. Collection method: in vitro. Allele origin: not applicable. Functional consequence: functionally_abnormal. Not counted in ClinVar's aggregate classification.
ClinVar note: "not provided" was previously submitted as the classification for the variant. However, the classification appeared to be based only on an observation of functional data so it was converted to no classification on 2025-07-30.

Literature cited by the submitters: PubMed 30209399 (cited by Ambry Genetics).

NM_007294.4(BRCA1):c.5354A>C (p.Gln1785Pro)

Gene: BRCA1 (BRCA1 DNA repair associated; minus strand). Cytogenetic location: 17q21.31.
Variant type: single nucleotide variant.
Coding change: c.5354A>C on transcript NM_007294.4 (MANE Select); coding-DNA position 5354, A replaced by C.
Protein change: p.Gln1785Pro; replaces glutamine 1785 with proline.
Molecular consequence: missense variant. On other transcripts: non-coding transcript variant (1), intron variant (1).
Genome position (GRCh38, 1-based): chr17:43,049,173, T>G on the plus strand (A>C on the coding strand, the complement: BRCA1 is on the minus strand). VCF-style: chr17-43049173-T-G. GRCh37 (hg19) VCF-style: chr17-41201190-T-G.
Other names: c.5141A>C, p.Gln1714Pro (NM_001407571.1, NM_001407894.1, NM_001407895.1 and 12 more transcripts); c.5420A>C, p.Gln1807Pro (NM_001407581.1, NM_001407582.1); c.5417A>C, p.Gln1806Pro (NM_001407583.1, NM_001407585.1, NM_001407587.1 and 1 more transcripts); c.5414A>C, p.Gln1805Pro (NM_001407590.1, NM_001407591.1); c.5354A>C, p.Gln1785Pro (NM_001407593.1, NM_001407594.1, NM_001407596.1 and 5 more transcripts); c.5351A>C, p.Gln1784Pro (NM_001407610.1, NM_001407611.1, NM_001407612.1 and 14 more transcripts); c.5348A>C, p.Gln1783Pro (NM_001407631.1, NM_001407632.1, NM_001407633.1 and 13 more transcripts); c.5276A>C, p.Gln1759Pro (NM_001407653.1, NM_001407654.1, NM_001407655.1 and 1 more transcripts); and 73 more; short protein forms Q1785P, Q1738P, Q1806P, Q681P, Q1488P, Q1657P, Q1658P, Q1672P.
Identifiers: ClinVar variation 232897 (VCV000232897.8), dbSNP rs876660057, ClinGen allele CA10580485.